The following is an entry in ClinVar:

ClinVar aggregate classification (germline): Pathogenic (1 of 4 stars; one submission).

Conditions:
Glutaric aciduria, type 1. Also called: Glutaric Acidemia Type 1; GA I; Glutaryl-CoA dehydrogenase deficiency; Glutaric acidemia type I; Glutaricaciduria, type I; Glutaricacidemia Type 1. Identifiers: Orphanet 25, MedGen C0268595, MONDO:0009281, OMIM 231670.

Submission:

Labcorp Genetics (formerly Invitae), Labcorp
Classification: Pathogenic for Glutaric aciduria, type 1. Last evaluated: 2023-09-15. Review status: criteria provided, single submitter. Criteria: Invitae Variant Classification Sherloc (09022015). Collection method: clinical testing. Allele origin: germline.
Comment: This missense change has been observed in individual(s) with Glutaric acidemia, type I (PMID: 20514322). For these reasons, this variant has been classified as Pathogenic. This variant disrupts the p.Asp220 amino acid residue in GCDH. Other variant(s) that disrupt this residue have been determined to be pathogenic (PMID: 23395213; Invitae). This suggests that this residue is clinically significant, and that variants that disrupt this residue are likely to be disease-causing. Algorithms developed to predict the effect of sequence changes on RNA splicing suggest that this variant may create or strengthen a splice site. Advanced modeling of protein sequence and biophysical properties (such as structural, functional, and spatial information, amino acid conservation, physicochemical variation, residue mobility, and thermodynamic stability) performed at Invitae indicates that this missense variant is expected to disrupt GCDH protein function. This variant is not present in population databases (gnomAD no frequency). This sequence change replaces aspartic acid, which is acidic and polar, with tyrosine, which is neutral and polar, at codon 220 of the GCDH protein (p.Asp220Tyr).

Literature cited by the submitters: PubMed 20514322; PubMed 23395213.

NM_000159.4(GCDH):c.658G>T (p.Asp220Tyr)

Gene: GCDH (glutaryl-CoA dehydrogenase; plus strand). Cytogenetic location: 19p13.13.
Variant type: single nucleotide variant.
Coding change: c.658G>T on transcript NM_000159.4 (MANE Select); coding-DNA position 658, G replaced by T.
Protein change: p.Asp220Tyr; replaces aspartic acid 220 with tyrosine.
Molecular consequence: missense variant. On other transcripts: non-coding transcript variant (1).
Genome position (GRCh38, 1-based): chr19:12,896,227, G>T. VCF-style: chr19-12896227-G-T. GRCh37 (hg19) VCF-style: chr19-13007041-G-T.
Other names: c.658G>T, p.Asp220Tyr (NM_013976.5); short protein forms D220Y.
Identifiers: ClinVar variation 2736816 (VCV002736816.3), dbSNP rs375357230, ClinGen allele CA404318517.